The following is an entry in ClinVar:

ClinVar aggregate classification (germline): Likely pathogenic (1 of 4 stars; one submission).

Conditions:
LAMA2-related muscular dystrophy (LAMA2-RD). Also called: Laminin alpha 2-related dystrophy. Identifiers: MedGen C5679788, MONDO:0100228.

Submission:

Myriad Genetics, Inc.
Classification: Likely pathogenic for LAMA2-related muscular dystrophy. Last evaluated: 2019-03-31. Review status: criteria provided, single submitter. Criteria: Myriad Autosomal Dominant, Autosomal Recessive and X-Linked Classification Criteria (2023). Collection method: clinical testing. Allele origin: unknown.
Comment: NM_000426.3(LAMA2):c.1834G>T(E612*) is expected to be pathogenic in the context of LAMA2-related muscular dystrophy. This variant is predicted to lead to an abnormal or absent protein product due to the creation of a premature termination codon in LAMA2, a gene where loss-of-function variants are known to be pathogenic. Please note: this variant was assessed in the context of healthy population screening.

NM_000426.4(LAMA2):c.1834G>T (p.Glu612Ter)

Gene: LAMA2 (laminin subunit alpha 2; plus strand). Cytogenetic location: 6q22.33.
Variant type: single nucleotide variant.
Coding change: c.1834G>T on transcript NM_000426.4 (MANE Select); coding-DNA position 1834, G replaced by T.
Protein change: p.Glu612Ter; replaces glutamic acid 612 with a stop codon.
Molecular consequence: nonsense.
Genome position (GRCh38, 1-based): chr6:129,250,163, G>T. VCF-style: chr6-129250163-G-T. GRCh37 (hg19) VCF-style: chr6-129571308-G-T.
Other names: c.1834G>T, p.Glu612Ter (NM_001079823.2); short protein forms E612*.
Identifiers: ClinVar variation 984074 (VCV000984074.4), dbSNP rs1786068836, ClinGen allele CA365609571.